The following is an entry in ClinVar:

NM_001040108.2(MLH3):c.4309T>A (p.Cys1437Ser)

Gene: MLH3 (mutL homolog 3; minus strand). Cytogenetic location: 14q24.3.
Variant type: single nucleotide variant.
Coding change: c.4309T>A on transcript NM_001040108.2 (MANE Select); coding-DNA position 4309, T replaced by A.
Protein change: p.Cys1437Ser; replaces cysteine 1437 with serine.
Molecular consequence: missense variant.
Genome position (GRCh38, 1-based): chr14:75,017,135, A>T on the plus strand (T>A on the coding strand, the complement: MLH3 is on the minus strand). VCF-style: chr14-75017135-A-T. GRCh37 (hg19) VCF-style: chr14-75483838-A-T.
Other names: c.4237T>A, p.Cys1413Ser (NM_014381.3); short protein forms C1413S, C1437S.
Identifiers: ClinVar variation 4860239 (VCV004860239.1).

ClinVar aggregate classification (germline): Uncertain significance (1 of 4 stars; one submission).

Submission:

Ambry Genetics
Classification: Uncertain significance. Last evaluated: 2026-06-12. Review status: criteria provided, single submitter. Criteria: Ambry Variant Classification Scheme 2023. Collection method: clinical testing. Allele origin: germline.
Comment: The p.C1437S variant (also known as c.4309T>A), located in coding exon 12 of the MLH3 gene, results from a T to A substitution at nucleotide position 4309. The cysteine at codon 1437 is replaced by serine, an amino acid with dissimilar properties. This amino acid position is conserved. In addition, the in silico prediction for this alteration is inconclusive. Based on the available evidence, the clinical significance of this variant remains unclear.